The following is an entry in ClinVar:

NM_000019.4(ACAT1):c.170_171delinsAA (p.Gly57Glu)

Gene: ACAT1 (acetyl-CoA acetyltransferase 1; plus strand). Cytogenetic location: 11q22.3.
Variant type: Indel.
Coding change: c.170_171delinsAA on transcript NM_000019.4 (MANE Select); coding-DNA positions 170 to 171, GC replaced by AA.
Protein change: p.Gly57Glu; replaces glycine 57 with glutamic acid.
Molecular consequence: missense variant. On other transcripts: 5 prime UTR variant (10), non-coding transcript variant (2), intron variant (1).
Genome position (GRCh38, 1-based): chr11:108,133,869-108,133,870, GC replaced by AA. VCF-style: chr11-108133869-GC-AA. GRCh37 (hg19) VCF-style: chr11-108004596-GC-AA.
Other names: c.170_171delinsAA, p.Gly57Glu (NM_001386677.1); c.-108_-107delinsAA (NM_001386679.1); c.-101_-100delinsAA (NM_001386681.1, NM_001386682.1, NM_001386685.1 and 6 more transcripts); c.120+1915_120+1916delinsAA (NM_001386678.1); short protein forms G57E.
Identifiers: ClinVar variation 4072621 (VCV004072621.2).
Genomic context (GRCh38, chr11:108,133,869, plus strand): 5'-TGTCTTGCCAGGAAGTGGTCATAGTAAGTGCTACAAGAACACCCATTGGATCTTTTTTAG[GC>AA]AGCCTTTCCTTGCTGCCAGCCACTAAGCTTGGTTCCATTGCAATTCAGGGAGCCATTGAA-3'
Protein context (NP_000010.1, residues 47-67): ATRTPIGSFL[Gly57Glu]SLSLLPATKL

ClinVar aggregate classification (germline): Uncertain significance (1 of 4 stars; one submission).

Submission:

GeneDx
Classification: Uncertain significance. Last evaluated: 2026-01-14. Review status: criteria provided, single submitter. Criteria: GeneDx Variant Classification Process June 2021. Collection method: clinical testing. Allele origin: germline.
Comment: Not observed at significant frequency in large population cohorts (gnomAD); In silico analysis supports a deleterious effect on protein structure/function; Has not been previously published as pathogenic or benign to our knowledge